The following is an entry in ClinVar:

ClinVar aggregate classification (germline): Uncertain significance (1 of 4 stars; one submission).

Conditions:
Primary ciliary dyskinesia 19. Also called: CILIARY DYSKINESIA, PRIMARY, 19, WITH OR WITHOUT SITUS INVERSUS. Identifiers: Orphanet 244, MedGen C3543826, MONDO:0013979, OMIM 614935.

Allele frequency attached by ClinVar (database versions not stated): gnomAD exomes 0.00001.

Submission:

Labcorp Genetics (formerly Invitae), Labcorp
Classification: Uncertain significance for Primary ciliary dyskinesia 19. Last evaluated: 2022-08-13. Review status: criteria provided, single submitter. Criteria: Invitae Variant Classification Sherloc (09022015). Collection method: clinical testing. Allele origin: germline.
Comment: This variant, c.48_49insCTTTGT, results in the insertion of 2 amino acid(s) of the LRRC6 protein (p.Asn16_Asp17insLeuCys), but otherwise preserves the integrity of the reading frame. This variant is present in population databases (no rsID available, gnomAD 0.0009%). This variant has not been reported in the literature in individuals affected with LRRC6-related conditions. In summary, the available evidence is currently insufficient to determine the role of this variant in disease. Therefore, it has been classified as a Variant of Uncertain Significance.

NM_012472.6(DNAAF11):c.48_49insCTTTGT (p.Asn16_Asp17insLeuCys)

Gene: DNAAF11 (dynein axonemal assembly factor 11; minus strand). Cytogenetic location: 8q24.22.
Variant type: Insertion.
Coding change: c.48_49insCTTTGT on transcript NM_012472.6 (MANE Select); coding-DNA positions 48 to 49, CTTTGT inserted.
Protein change: p.Asn16_Asp17insLeuCys.
Molecular consequence: inframe insertion. On other transcripts: 5 prime UTR variant (4), non-coding transcript variant (7), intron variant (1).
Genome position: GRCh38 VCF-style: chr8-132661589-C-CACAAAG. GRCh37 (hg19) VCF-style: chr8-133673835-C-CACAAAG.
Other names: c.48_49insCTTTGT, p.Asn16_Asp17insLeuCys (NM_001321961.2); c.-313_-312insCTTTGT (NM_001321963.2, NM_001321964.2, NM_001321966.2); c.-626_-625insCTTTGT (NM_001321965.2); c.10+13894_10+13895insCTTTGT (NM_001321962.2).
Identifiers: ClinVar variation 2024048 (VCV002024048.4), dbSNP rs1563705280, ClinGen allele CA585279420.